The following is an entry in ClinVar:

NM_001293298.2(CEMIP):c.1884T>C (p.Cys628=)

Gene: CEMIP (cell migration inducing hyaluronidase 1; plus strand). Cytogenetic location: 15q25.1.
Variant type: single nucleotide variant.
Coding change: c.1884T>C on transcript NM_001293298.2 (MANE Select); coding-DNA position 1884, T replaced by C.
Protein change: p.Cys628=; no amino-acid change (cysteine 628 retained).
Molecular consequence: synonymous variant.
Genome position (GRCh38, 1-based): chr15:80,920,180, T>C. VCF-style: chr15-80920180-T-C. GRCh37 (hg19) VCF-style: chr15-81212521-T-C.
Other names: c.1884T>C, p.Cys628= (NM_001293304.2, NM_018689.3).
Identifiers: ClinVar variation 1246244 (VCV001246244.5), dbSNP rs2271160, ClinGen allele CA7693098.

ClinVar aggregate classification (germline): Benign. Review status: criteria provided, multiple submitters, no conflicts (2 of 4 stars). 3 submissions from 3 submitters: Benign (2). 1 of the submissions does not count toward it. Last evaluated 2018-11-10.

Conditions:
CEMIP-related disorder. Also called: CEMIP-related condition.

Allele frequency attached by ClinVar (database versions not stated): ESP Exome Variant Server 0.13771; gnomAD 0.13852 and 0.14143; TOPMed 0.14046; gnomAD exomes 0.14542 and 0.15073; ExAC 0.14926; 1000 Genomes Project 30x 0.17099; 1000 Genomes Project 0.17672.
gnomAD v4.1: 234,369 of 1,614,022 alleles (15%); highest among the groups gnomAD compares: East Asian, 27%; 17,563 homozygotes.

Submissions (3):

GeneDx
Classification: Benign. Last evaluated: 2018-11-10. Review status: criteria provided, single submitter. Criteria: GeneDx Variant Classification Process June 2021. Collection method: clinical testing. Allele origin: germline. Affected: yes.

Breakthrough Genomics
Classification: Benign. Review status: criteria provided, single submitter. Criteria: ACMG Guidelines, 2015. Collection method: not provided. Allele origin: germline. Inheritance: Unknown mechanism. Affected: yes.

PreventionGenetics, part of Exact Sciences
Classification: Benign for CEMIP-related condition. Last evaluated: 2019-11-25. Review status: no assertion criteria provided. Collection method: clinical testing. Allele origin: germline. Not counted in ClinVar's aggregate classification.
Comment: This variant is classified as benign based on ACMG/AMP sequence variant interpretation guidelines (Richards et al. 2015 PMID: 25741868, with internal and published modifications).